The following is an entry in ClinVar:

ClinVar aggregate classification (germline): Likely benign. Review status: criteria provided, multiple submitters, no conflicts (2 of 4 stars). 2 submissions from 2 submitters: Likely benign (2). Last evaluated 2025-07-16.

Conditions:
Cystic fibrosis (CF). Also called: MUCOVISCIDOSIS. Identifiers: Orphanet 586, MedGen C0010674, MONDO:0009061, OMIM 219700. Disease mechanism: loss of function.

Submissions (2):

Mayo Clinic Laboratories, Mayo Clinic
Classification: Likely benign. Last evaluated: 2025-07-16. Review status: criteria provided, single submitter. Criteria: ACMG Guidelines, 2015. Collection method: clinical testing. Allele origin: germline. Observed: 1 variant allele.
Comment: BP4_moderate, BP7, PM2_supporting

Labcorp Genetics (formerly Invitae), Labcorp
Classification: Likely benign for Cystic fibrosis. Last evaluated: 2020-08-06. Review status: criteria provided, single submitter. Criteria: Invitae Variant Classification Sherloc (09022015). Collection method: clinical testing. Allele origin: germline.

NM_000492.4(CFTR):c.3318T>A (p.Ile1106=)

Genes: CFTR (CF transmembrane conductance regulator; plus strand), CFTR-AS2 (CFTR antisense RNA 2; minus strand), LOC111674472 (DNase I hypersensitive sites in introns 16 and 17a of CFTR; plus strand). Cytogenetic location: 7q31.2.
Variant type: single nucleotide variant.
Coding change: c.3318T>A on transcript NM_000492.4 (MANE Select); coding-DNA position 3318, T replaced by A.
Protein change: p.Ile1106=; no amino-acid change (isoleucine 1106 retained).
Molecular consequence: synonymous variant.
Genome position (GRCh38, 1-based): chr7:117,611,759, T>A. VCF-style: chr7-117611759-T-A. GRCh37 (hg19) VCF-style: chr7-117251813-T-A.
Other names: p.Ile1106=.
Identifiers: ClinVar variation 1091070 (VCV001091070.10), dbSNP rs2116085302, ClinGen allele CA457230076.